The following is an entry in ClinVar:

NM_000400.4(ERCC2):c.574T>A (p.Tyr192Asn)

Gene: ERCC2 (ERCC excision repair 2, TFIIH core complex helicase subunit; minus strand). Cytogenetic location: 19q13.32.
Variant type: single nucleotide variant.
Coding change: c.574T>A on transcript NM_000400.4 (MANE Select); coding-DNA position 574, T replaced by A.
Protein change: p.Tyr192Asn; replaces tyrosine 192 with asparagine.
Molecular consequence: missense variant.
Genome position (GRCh38, 1-based): chr19:45,364,858, A>T on the plus strand (T>A on the coding strand, the complement: ERCC2 is on the minus strand). VCF-style: chr19-45364858-A-T. GRCh37 (hg19) VCF-style: chr19-45868116-A-T.
Other names: c.502T>A, p.Tyr168Asn (NM_001130867.2); short protein forms Y168N, Y192N.
Identifiers: ClinVar variation 1749434 (VCV001749434.2), dbSNP rs1972369876, ClinGen allele CA406375631.

ClinVar aggregate classification (germline): Uncertain significance (1 of 4 stars; one submission).

Conditions:
Inborn genetic diseases. Identifiers: MedGen C0950123, MeSH D030342.

Allele frequency attached by ClinVar (database versions not stated): gnomAD 0.00001.
gnomAD v4.1: 1 of 1,613,232 alleles (0.000062%); highest among the groups gnomAD compares: Non-Finnish European, 0.000085%; no homozygotes.

Submission:

Ambry Genetics
Classification: Uncertain significance for Inborn genetic diseases. Last evaluated: 2021-06-14. Review status: criteria provided, single submitter. Criteria: Ambry Variant Classification Scheme 2023. Collection method: clinical testing. Allele origin: germline.
Comment: The p.Y192N variant (also known as c.574T>A), located in coding exon 7 of the ERCC2 gene, results from a T to A substitution at nucleotide position 574. The tyrosine at codon 192 is replaced by asparagine, an amino acid with dissimilar properties. This amino acid position is conserved. In addition, this alteration is predicted to be deleterious by in silico analysis. Since supporting evidence is limited at this time, the clinical significance of this alteration remains unclear.